The following is an entry in ClinVar:

ClinVar aggregate classification (germline): Pathogenic/Likely pathogenic. Review status: criteria provided, multiple submitters, no conflicts (2 of 4 stars). 9 submissions from 9 submitters: Pathogenic (3); Likely pathogenic (5). 1 of the submissions does not count toward it. Last evaluated 2025-10-09.

Conditions:
Deficiency of alpha-mannosidase (MANSA). Also called: Alpha-Mannosidosis; LYSOSOMAL ALPHA-D-MANNOSIDASE DEFICIENCY; Mannosidosis, alpha-, types I and II. Identifiers: Orphanet 61, MedGen C0024748, MONDO:0009561, OMIM 248500.

Allele frequency attached by ClinVar (database versions not stated): ESP Exome Variant Server 0.00008; gnomAD 0.00001; TOPMed 0.00001; ExAC 0.00005.
gnomAD v4.1: 10 of 1,565,722 alleles (0.00064%); highest among the groups gnomAD compares: African/African-American, 0.0014%; no homozygotes.

Submissions (9):

Natera, Inc.
Classification: Likely pathogenic for Alpha-mannosidosis. Last evaluated: 2025-10-09. Review status: criteria provided, single submitter. Criteria: Natera Variant Classification Schema (03/2026). Collection method: clinical testing. Allele origin: germline.
Comment: The c.1351G>T variant in MAN2B1 is a missense variant predicted to cause substitution of glycine to cysteine at amino acid 451. This variant is rare in the general population with a frequency below the threshold expected for the associated phenotype(s). This variant has been observed in one or more individuals affected with the associated recessive disease, as either homozygous or compound heterozygous with a second variant (PMID: 22161967). Functional studies show that this variant may disrupt protein function (PMID: 22161967). Computational prediction algorithms indicate this variant is likely to affect gene or protein function. Given the available evidence, this variant is classified as Likely Pathogenic.

Myriad Genetics, Inc.
Classification: Likely pathogenic for Deficiency of alpha-mannosidase. Last evaluated: 2025-08-11. Review status: criteria provided, single submitter. Criteria: Myriad Autosomal Dominant, Autosomal Recessive and X-Linked Classification Criteria (2023). Collection method: clinical testing. Allele origin: unknown.
Comment: NM_000528.3(MAN2B1):c.1351G>T(G451C) is a missense variant classified as likely pathogenic in the context of alpha-mannosidosis. G451C has been observed in cases with relevant disease (PMID: 22161967). Relevant functional assessments of this variant are available in the literature (PMID: 22161967, 21505070). G451C has been observed in referenced population frequency databases. . Please note: this variant was assessed in the context of healthy population screening.

GeneDx
Classification: Likely pathogenic. Last evaluated: 2024-11-26. Review status: criteria provided, single submitter. Criteria: GeneDx Variant Classification Process June 2021. Collection method: clinical testing. Allele origin: germline. Affected: yes.
Comment: Not observed at significant frequency in large population cohorts (gnomAD); In silico analysis supports that this missense variant has a deleterious effect on protein structure/function; This variant is associated with the following publications: (PMID: 21505070, 29859105, 26048034, 22161967)

North West Genomic Laboratory Hub, Manchester University NHS Foundation Trust
Classification: Likely pathogenic for Deficiency of alpha-mannosidase. Last evaluated: 2024-03-22. Review status: criteria provided, single submitter. Criteria: ACGS Best Practice Guidelines for Variant Classification in Rare Disease 2020. Collection method: clinical testing. Allele origin: germline. Affected: yes.
Comment: PP3_Supp PS3_Supp PM2_Mod PM3_Str

Baylor Genetics
Classification: Pathogenic for Deficiency of alpha-mannosidase. Last evaluated: 2024-03-21. Review status: criteria provided, single submitter. Criteria: ACMG Guidelines, 2015. Collection method: clinical testing. Allele origin: unknown.

Labcorp Genetics (formerly Invitae), Labcorp
Classification: Pathogenic for Deficiency of alpha-mannosidase. Last evaluated: 2023-11-24. Review status: criteria provided, single submitter. Criteria: Invitae Variant Classification Sherloc (09022015). Collection method: clinical testing. Allele origin: germline.
Comment: This sequence change replaces glycine, which is neutral and non-polar, with cysteine, which is neutral and slightly polar, at codon 451 of the MAN2B1 protein (p.Gly451Cys). The frequency data for this variant in the population databases is considered unreliable, as metrics indicate poor data quality at this position in the gnomAD database. This missense change has been observed in individual(s) with mannosidosis (PMID: 22161967). In at least one individual the data is consistent with being in trans (on the opposite chromosome) from a pathogenic variant. ClinVar contains an entry for this variant (Variation ID: 208266). Advanced modeling of protein sequence and biophysical properties (such as structural, functional, and spatial information, amino acid conservation, physicochemical variation, residue mobility, and thermodynamic stability) has been performed at Invitae for this missense variant, however the output from this modeling did not meet the statistical confidence thresholds required to predict the impact of this variant on MAN2B1 protein function. Experimental studies have shown that this missense change affects MAN2B1 function (PMID: 21505070, 22161967). For these reasons, this variant has been classified as Pathogenic.

Genome-Nilou Lab
Classification: Pathogenic for Deficiency of alpha-mannosidase. Last evaluated: 2021-09-05. Review status: criteria provided, single submitter. Criteria: ACMG Guidelines, 2015. Collection method: clinical testing. Allele origin: germline. Affected: no.

Juno Genomics, Hangzhou Juno Genomics, Inc
Classification: Likely pathogenic for Deficiency of alpha-mannosidase. Review status: criteria provided, single submitter. Criteria: ACMG Guidelines, 2015. Collection method: clinical testing. Allele origin: germline.
Comment: Absent from controls (or at extremely low frequency if recessive) in Genome Aggregation Database.;Well-established in vitro or in vivo functional studies supportive of a damaging effect on the gene or gene product.;For recessive disorders, detected in trans with a pathogenic variant.;Patient's phenotype or family history is highly specific for a disease with a single genetic etiology.

ClinVar Staff, National Center for Biotechnology Information (NCBI)
Classification: Uncertain significance for Deficiency of alpha-mannosidase. Last evaluated: 2012-06-07. Review status: no assertion criteria provided. Collection method: literature only. Allele origin: germline. Affected: yes. Not counted in ClinVar's aggregate classification.

Literature cited by the submitters: PubMed 22161967 (cited by 4 submitters); PubMed 21505070 (cited by Myriad Genetics, Inc. and Labcorp Genetics (formerly Invitae), Labcorp).

NM_000528.4(MAN2B1):c.1351G>T (p.Gly451Cys)

Genes: MAN2B1 (mannosidase alpha class 2B member 1; minus strand), LOC129391064 (MPRA-validated peak3365 silencer; plus strand). Cytogenetic location: 19p13.13.
Variant type: single nucleotide variant.
Coding change: c.1351G>T on transcript NM_000528.4 (MANE Select); coding-DNA position 1351, G replaced by T.
Protein change: p.Gly451Cys; replaces glycine 451 with cysteine.
Molecular consequence: missense variant.
Genome position (GRCh38, 1-based): chr19:12,657,514, C>A on the plus strand (G>T on the coding strand, the complement: MAN2B1 is on the minus strand). VCF-style: chr19-12657514-C-A. GRCh37 (hg19) VCF-style: chr19-12768328-C-A.
Other names: c.1348G>T, p.Gly450Cys (NM_001173498.2); short protein forms G451C, G450C.
Identifiers: ClinVar variation 208266 (VCV000208266.21), dbSNP rs368899357, ClinGen allele CA350891.
Genomic context (GRCh38, chr19:12,657,514, plus strand): 5'-GCCCCCAGCCTGCCGCAAGCTGGCGCGCGTAGTCGTTGGCCACGTGCTGGCGGGAGGTGC[C>A]GCTGACGGCGTCGTGATGCTGGAGCACAGCCATCGCCTCATCTGCTCATAGACAATGAGT-3'
Protein context (NP_000519.2, residues 441-461): AVLQHHDAVS[Gly451Cys]TSRQHVANDY